The following is an entry in ClinVar:

ClinVar aggregate classification (germline): Uncertain significance (1 of 4 stars; one submission).

Conditions:
Neurofibromatosis, type 1 (NF1). Also called: NEUROFIBROMATOSIS, TYPE I, SOMATIC; Neurofibromatosis, type I; Peripheral type neurofibromatosis; VON RECKLINGHAUSEN DISEASE. Identifiers: Orphanet 636, MedGen C0027831, MONDO:0018975, OMIM 162200. Disease mechanism: loss of function.

Submission:

Labcorp Genetics (formerly Invitae), Labcorp
Classification: Uncertain significance for Neurofibromatosis, type 1. Last evaluated: 2022-02-10. Review status: criteria provided, single submitter. Criteria: Invitae Variant Classification Sherloc (09022015). Collection method: clinical testing. Allele origin: germline.
Comment: This sequence change replaces threonine, which is neutral and polar, with lysine, which is basic and polar, at codon 101 of the NF1 protein (p.Thr101Lys). This variant is not present in population databases (gnomAD no frequency). This variant has not been reported in the literature in individuals affected with NF1-related conditions. Algorithms developed to predict the effect of missense changes on protein structure and function (SIFT, PolyPhen-2, Align-GVGD) all suggest that this variant is likely to be tolerated. In summary, the available evidence is currently insufficient to determine the role of this variant in disease. Therefore, it has been classified as a Variant of Uncertain Significance.

NM_001042492.3(NF1):c.302C>A (p.Thr101Lys)

Gene: NF1 (neurofibromin 1; plus strand). Cytogenetic location: 17q11.2.
Variant type: single nucleotide variant.
Coding change: c.302C>A on transcript NM_001042492.3 (MANE Select); coding-DNA position 302, C replaced by A.
Protein change: p.Thr101Lys; replaces threonine 101 with lysine.
Molecular consequence: missense variant.
Genome position (GRCh38, 1-based): chr17:31,163,199, C>A. VCF-style: chr17-31163199-C-A. GRCh37 (hg19) VCF-style: chr17-29490217-C-A.
Other names: c.302C>A, p.Thr101Lys (NM_000267.4, NM_001128147.3); short protein forms T101K.
Identifiers: ClinVar variation 2095857 (VCV002095857.4), dbSNP rs2143670457, ClinGen allele CA398981652.